The following is an entry in ClinVar:

NM_000286.3(PEX12):c.608T>C (p.Leu203Pro)

Gene: PEX12 (peroxisomal biogenesis factor 12; minus strand). Cytogenetic location: 17q12.
Variant type: single nucleotide variant.
Coding change: c.608T>C on transcript NM_000286.3 (MANE Select); coding-DNA position 608, T replaced by C.
Protein change: p.Leu203Pro; replaces leucine 203 with proline.
Molecular consequence: missense variant.
Genome position (GRCh38, 1-based): chr17:35,577,110, A>G on the plus strand (T>C on the coding strand, the complement: PEX12 is on the minus strand). VCF-style: chr17-35577110-A-G. GRCh37 (hg19) VCF-style: chr17-33904129-A-G.
Other names: short protein forms L203P.
Identifiers: ClinVar variation 1031506 (VCV001031506.2), dbSNP rs896156854, ClinGen allele CA290069265.

ClinVar aggregate classification (germline): Uncertain significance. Review status: criteria provided, multiple submitters, no conflicts (2 of 4 stars). 2 submissions from 2 submitters: Uncertain significance (2). Last evaluated 2020-02-25.

Conditions:
Peroxisome biogenesis disorder 3A (Zellweger). Also called: PEROXISOMAL BIOGENESIS DISORDER 3A (ZELLWEGER); Peroxisome biogenesis disorder 3A. Identifiers: Orphanet 912, MedGen C3553929, MONDO:0013927, OMIM 614859.

Allele frequency attached by ClinVar (database versions not stated): gnomAD 0.00001.

Submissions (2):

Blueprint Genetics
Classification: Uncertain significance. Last evaluated: 2020-02-25. Review status: criteria provided, single submitter. Criteria: ACMG Guidelines, 2015. Collection method: clinical testing. Allele origin: germline.

Baylor Genetics
Classification: Uncertain significance for Peroxisome biogenesis disorder 3A (Zellweger). Last evaluated: 2018-05-30. Review status: criteria provided, single submitter. Criteria: ACMG Guidelines, 2015. Collection method: clinical testing. Allele origin: unknown. Affected: yes.
Comment: This variant was determined to be of uncertain significance according to ACMG Guidelines, 2015 [PMID:25741868].